The following is an entry in ClinVar:

NM_016589.4(TIMMDC1):c.674G>A (p.Arg225Gln)

Gene: TIMMDC1 (translocase of inner mitochondrial membrane domain containing 1; plus strand). Cytogenetic location: 3q13.33.
Variant type: single nucleotide variant.
Coding change: c.674G>A on transcript NM_016589.4 (MANE Select); coding-DNA position 674, G replaced by A.
Protein change: p.Arg225Gln; replaces arginine 225 with glutamine.
Molecular consequence: missense variant.
Genome position (GRCh38, 1-based): chr3:119,517,282, G>A. VCF-style: chr3-119517282-G-A. GRCh37 (hg19) VCF-style: chr3-119236129-G-A.
Other names: short protein forms R225Q.
Identifiers: ClinVar variation 1033830 (VCV001033830.8), dbSNP rs761981569, ClinGen allele CA2555334.

ClinVar aggregate classification (germline): Uncertain significance. Review status: criteria provided, multiple submitters, no conflicts (2 of 4 stars). 2 submissions from 2 submitters: Uncertain significance (2). Last evaluated 2023-08-10.

Conditions:
Mitochondrial complex I deficiency, nuclear type 1. Also called: NADH-COENZYME Q REDUCTASE DEFICIENCY; MITOCHONDRIAL NADH DEHYDROGENASE COMPONENT OF COMPLEX I, DEFICIENCY OF. Identifiers: MedGen C6022305, MONDO:0100224, OMIM 252010.

Allele frequency attached by ClinVar (database versions not stated): gnomAD exomes 0.00001; TOPMed 0.00001; ExAC 0.00002.
gnomAD v4.1: 21 of 1,613,568 alleles (0.0013%); highest among the groups gnomAD compares: South Asian, 0.0044%; no homozygotes.

Submissions (2):

Labcorp Genetics (formerly Invitae), Labcorp
Classification: Uncertain significance. Last evaluated: 2023-08-10. Review status: criteria provided, single submitter. Criteria: Invitae Variant Classification Sherloc (09022015). Collection method: clinical testing. Allele origin: germline.
Comment: This sequence change replaces arginine, which is basic and polar, with glutamine, which is neutral and polar, at codon 225 of the TIMMDC1 protein (p.Arg225Gln). This variant is present in population databases (rs761981569, gnomAD 0.006%). This variant has not been reported in the literature in individuals affected with TIMMDC1-related conditions. ClinVar contains an entry for this variant (Variation ID: 1033830). Advanced modeling of protein sequence and biophysical properties (such as structural, functional, and spatial information, amino acid conservation, physicochemical variation, residue mobility, and thermodynamic stability) performed at Invitae indicates that this missense variant is not expected to disrupt TIMMDC1 protein function. In summary, the available evidence is currently insufficient to determine the role of this variant in disease. Therefore, it has been classified as a Variant of Uncertain Significance.

Baylor Genetics
Classification: Uncertain significance for Mitochondrial complex I deficiency, nuclear type 1. Last evaluated: 2018-09-19. Review status: criteria provided, single submitter. Criteria: ACMG Guidelines, 2015. Collection method: clinical testing. Allele origin: unknown. Affected: yes.
Comment: This variant was determined to be of uncertain significance according to ACMG Guidelines, 2015 [PMID:25741868].